The following is an entry in ClinVar:

NM_001111125.3(IQSEC2):c.567G>A (p.Ser189=)

Gene: IQSEC2 (IQ motif and Sec7 domain ArfGEF 2; minus strand). Cytogenetic location: Xp11.22.
Variant type: single nucleotide variant.
Coding change: c.567G>A on transcript NM_001111125.3 (MANE Select); coding-DNA position 567, G replaced by A.
Protein change: p.Ser189=; no amino-acid change (serine 189 retained).
Molecular consequence: synonymous variant.
Genome position (GRCh38, 1-based): chrX:53,320,557, C>T on the plus strand (G>A on the coding strand, the complement: IQSEC2 is on the minus strand). VCF-style: chrX-53320557-C-T. GRCh37 (hg19) VCF-style: chrX-53349755-C-T.
Identifiers: ClinVar variation 388040 (VCV000388040.1), dbSNP rs782020682, ClinGen allele CA16608526.

ClinVar aggregate classification (germline): Likely benign (1 of 4 stars; one submission).

Submission:

GeneDx
Classification: Likely benign. Last evaluated: 2016-07-22. Review status: criteria provided, single submitter. Criteria: GeneDx Variant Classification (06012015). Collection method: clinical testing. Allele origin: germline. Affected: yes.
Comment: This variant is considered likely benign or benign based on one or more of the following criteria: it is a conservative change, it occurs at a poorly conserved position in the protein, it is predicted to be benign by multiple in silico algorithms, and/or has population frequency not consistent with disease.